The following is an entry in ClinVar:

NM_003482.4(KMT2D):c.8953A>T (p.Lys2985Ter)

Gene: KMT2D (lysine methyltransferase 2D; minus strand). Cytogenetic location: 12q13.12.
Variant type: single nucleotide variant.
Coding change: c.8953A>T on transcript NM_003482.4 (MANE Select); coding-DNA position 8953, A replaced by T.
Protein change: p.Lys2985Ter; replaces lysine 2985 with a stop codon.
Molecular consequence: nonsense.
Genome position (GRCh38, 1-based): chr12:49,038,403, T>A on the plus strand (A>T on the coding strand, the complement: KMT2D is on the minus strand). VCF-style: chr12-49038403-T-A. GRCh37 (hg19) VCF-style: chr12-49432186-T-A.
Other names: short protein forms K2985*.
Identifiers: ClinVar variation 658862 (VCV000658862.1), dbSNP rs1592131106, ClinGen allele CA384740262.

ClinVar aggregate classification (germline): Pathogenic (1 of 4 stars; one submission).

Conditions:
Kabuki syndrome. Also called: Kabuki make-up syndrome; NIIKAWA-KUROKI SYNDROME. Identifiers: Orphanet 2322, MedGen C0796004, MONDO:0016512.

Submission:

Labcorp Genetics (formerly Invitae), Labcorp
Classification: Pathogenic for Kabuki syndrome. Last evaluated: 2018-10-29. Review status: criteria provided, single submitter. Criteria: Invitae Variant Classification Sherloc (09022015). Collection method: clinical testing. Allele origin: germline.
Comment: This sequence change creates a premature translational stop signal (p.Lys2985*) in the KMT2D gene. It is expected to result in an absent or disrupted protein product. This variant is not present in population databases (ExAC no frequency). Algorithms developed to predict the effect of sequence changes on RNA splicing suggest that this variant may create or strengthen a splice site, but this prediction has not been confirmed by published transcriptional studies. Loss-of-function variants in KMT2D are known to be pathogenic (PMID: 22126750). For these reasons, this variant has been classified as Pathogenic.